The following is an entry in ClinVar:

ClinVar aggregate classification (germline): Pathogenic (1 of 4 stars; one submission).

Conditions:
Neurofibromatosis, type 1 (NF1). Also called: Neurofibromatosis, type I; Peripheral type neurofibromatosis; VON RECKLINGHAUSEN DISEASE; NEUROFIBROMATOSIS, TYPE I, SOMATIC. Identifiers: Orphanet 636, MedGen C0027831, MONDO:0018975, OMIM 162200. Disease mechanism: loss of function.

Submission:

Labcorp Genetics (formerly Invitae), Labcorp
Classification: Pathogenic for Neurofibromatosis, type 1. Last evaluated: 2023-07-08. Review status: criteria provided, single submitter. Criteria: Invitae Variant Classification Sherloc (09022015). Collection method: clinical testing. Allele origin: germline.
Comment: This variant is not present in population databases (gnomAD no frequency). This variant results in the deletion of part of exon 23 (c.2991-8_2996del) of the NF1 gene. It is expected to disrupt RNA splicing. Variants that disrupt the donor or acceptor splice site typically lead to a loss of protein function (PMID: 16199547), and loss-of-function variants in NF1 are known to be pathogenic (PMID: 10712197, 23913538). This variant has been observed in individual(s) with clinical features of neurofibromatosis type 1 (Invitae). For these reasons, this variant has been classified as Pathogenic. Algorithms developed to predict the effect of sequence changes on RNA splicing suggest that this variant may disrupt the consensus splice site.

Literature cited by the submitters: PubMed 16199547; PubMed 10712197; PubMed 23913538.

NM_001042492.3(NF1):c.2991-8_2996del

Gene: NF1 (neurofibromin 1; plus strand). Cytogenetic location: 17q11.2.
Variant type: Deletion.
Coding change: c.2991-8_2996del on transcript NM_001042492.3 (MANE Select); 8 bases into the intron before coding-DNA position 2991 through coding-DNA position 2996, 14 bases deleted (CTATATAGGTATGT).
Molecular consequence: splice acceptor variant.
Genome position (GRCh38, 1-based): chr17:31,230,252-31,230,265, CTATATAGGTATGT deleted; deleting any 14 consecutive bases within chr17:31,230,247-31,230,265 gives the same sequence; the c. name uses the placement nearest the transcript's 3' end. VCF-style (leftmost placement, unchanged base first): chr17-31230246-CTATGTCTATATAGG-C. GRCh37 (hg19) VCF-style: chr17-29557264-CTATGTCTATATAGG-C.
Other names: c.2991-8_2996del (NM_000267.4).
Identifiers: ClinVar variation 2738759 (VCV002738759.3), dbSNP rs2508204500, ClinGen allele CA2697559769.